The following is an entry in ClinVar:

ClinVar aggregate classification (germline): Uncertain significance (1 of 4 stars; one submission).

Submission:

GeneDx
Classification: Uncertain significance. Last evaluated: 2024-02-07. Review status: criteria provided, single submitter. Criteria: GeneDx Variant Classification Process June 2021. Collection method: clinical testing. Allele origin: germline. Affected: yes.
Comment: Not observed at significant frequency in large population cohorts (gnomAD); In silico analysis supports that this missense variant has a deleterious effect on protein structure/function; Has not been previously published as pathogenic or benign to our knowledge

NM_006245.4(PPP2R5D):c.1549C>T (p.Pro517Ser)

Gene: PPP2R5D (protein phosphatase 2 regulatory subunit B'delta; plus strand). Cytogenetic location: 6p21.1.
Variant type: single nucleotide variant.
Coding change: c.1549C>T on transcript NM_006245.4 (MANE Select); coding-DNA position 1549, C replaced by T.
Protein change: p.Pro517Ser; replaces proline 517 with serine.
Molecular consequence: missense variant.
Genome position (GRCh38, 1-based): chr6:43,010,731, C>T. VCF-style: chr6-43010731-C-T. GRCh37 (hg19) VCF-style: chr6-42978469-C-T.
Other names: c.1096C>T, p.Pro366Ser (NM_001270476.2); c.1453C>T, p.Pro485Ser (NM_180976.3); c.1231C>T, p.Pro411Ser (NM_180977.3); short protein forms P366S, P411S, P485S, P517S.
Identifiers: ClinVar variation 3368947 (VCV003368947.1).
Genomic context (GRCh38, chr6:43,010,731, plus strand): 5'-TTCCGAATGAAGGAAAGGGAAGAGATGTGGCAAAAAATCGAGGAGCTGGCCCGGCTTAAT[C>T]CCCAGGTGAGGTTTTCCTGCCACTGTTGTGAACTGAGGGGCCAGCCCATCTTGAGCTGGG-3'
Protein context (NP_006236.1, residues 507-527): QKIEELARLN[Pro517Ser]QYPMFRAPPP